The following is an entry in ClinVar:

ClinVar aggregate classification (germline): Uncertain significance. Review status: criteria provided, multiple submitters, no conflicts (2 of 4 stars). 3 submissions from 3 submitters: Uncertain significance (3). Last evaluated 2026-04-24.

Conditions:
Nephronophthisis. Also called: Juvenile Nephronophthisis. Identifiers: Orphanet 655, MedGen C0687120, MONDO:0019005, HP:0000090.
Jeune thoracic dystrophy. Also called: Short-rib thoracic dysplasia; Jeune syndrome; Infantile thoracic dystrophy; Thoracic pelvic phalangeal dystrophy; Jeune's syndrome; Chondroectodermal dysplasia-like syndrome. Identifiers: Orphanet 474, MedGen C0265275, MONDO:0018770.
TTC21B-related disorder. Also called: TTC21B-related condition; TTC21B-related disorders.
Nephronophthisis 12 (NPHP12). Identifiers: Orphanet 655, MedGen C3151186, MONDO:0013442, OMIM 613820.
Asphyxiating thoracic dystrophy 4 (SRTD4). Also called: SHORT-RIB THORACIC DYSPLASIA 4 WITH OR WITHOUT POLYDACTYLY; SHORT-RIB THORACIC DYSPLASIA 4. Identifiers: Orphanet 474, MedGen C3151185, MONDO:0013441, OMIM 613819.

Allele frequency attached by ClinVar (database versions not stated): gnomAD 0.00001 and 0.00002; gnomAD exomes 0.00001 and 0.00002; ExAC 0.00002; TOPMed 0.00003.
gnomAD v4.1: 30 of 1,613,434 alleles (0.0019%); highest among the groups gnomAD compares: South Asian, 0.0033%; no homozygotes.

Submissions (3):

PreventionGenetics, part of Exact Sciences
Classification: Uncertain significance for TTC21B-related condition. Last evaluated: 2026-04-24. Review status: criteria provided, single submitter. Criteria: ACMG Guidelines, 2015. Collection method: clinical testing. Allele origin: germline.
Comment: The TTC21B c.307C>T variant is predicted to result in the amino acid substitution p.Arg103Cys. To our knowledge, this variant has not been reported in the literature. This variant is reported in 0.0065% of alleles in individuals of South Asian descent in gnomAD. At this time, the clinical significance of this variant is uncertain due to the absence of conclusive functional and genetic evidence.

Fulgent Genetics
Classification: Uncertain significance for Asphyxiating thoracic dystrophy 4; Nephronophthisis 12. Last evaluated: 2024-03-08. Review status: criteria provided, single submitter. Criteria: ACMG Guidelines, 2015. Collection method: clinical testing. Allele origin: germline.

Labcorp Genetics (formerly Invitae), Labcorp
Classification: Uncertain significance for Jeune thoracic dystrophy; Nephronophthisis. Last evaluated: 2022-08-16. Review status: criteria provided, single submitter. Criteria: Invitae Variant Classification Sherloc (09022015). Collection method: clinical testing. Allele origin: germline.
Comment: This sequence change replaces arginine, which is basic and polar, with cysteine, which is neutral and slightly polar, at codon 103 of the TTC21B protein (p.Arg103Cys). This variant is present in population databases (rs760729865, gnomAD 0.006%). This variant has not been reported in the literature in individuals affected with TTC21B-related conditions. ClinVar contains an entry for this variant (Variation ID: 1500150). Algorithms developed to predict the effect of missense changes on protein structure and function are either unavailable or do not agree on the potential impact of this missense change (SIFT: "Deleterious"; PolyPhen-2: "Probably Damaging"; Align-GVGD: "Class C0"). In summary, the available evidence is currently insufficient to determine the role of this variant in disease. Therefore, it has been classified as a Variant of Uncertain Significance.

NM_024753.5(TTC21B):c.307C>T (p.Arg103Cys)

Genes: TTC21B (tetratricopeptide repeat domain 21B; minus strand), TTC21B-AS1 (TTC21B antisense RNA 1; plus strand). Cytogenetic location: 2q24.3.
Variant type: single nucleotide variant.
Coding change: c.307C>T on transcript NM_024753.5 (MANE Select); coding-DNA position 307, C replaced by T.
Protein change: p.Arg103Cys; replaces arginine 103 with cysteine.
Molecular consequence: missense variant.
Genome position (GRCh38, 1-based): chr2:165,945,646, G>A on the plus strand (C>T on the coding strand, the complement: TTC21B is on the minus strand). VCF-style: chr2-165945646-G-A. GRCh37 (hg19) VCF-style: chr2-166802156-G-A.
Other names: c.307C>T (NM_024753.4); short protein forms R103C.
Identifiers: ClinVar variation 1500150 (VCV001500150.8), dbSNP rs760729865, ClinGen allele CA1942483.